The following is an entry in ClinVar:

ClinVar aggregate classification (germline): Uncertain significance. Review status: criteria provided, multiple submitters, no conflicts (2 of 4 stars). 2 submissions from 2 submitters: Uncertain significance (2). Last evaluated 2024-03-14.

Conditions:
Arrhythmogenic right ventricular dysplasia 11. Also called: Arrhythmogenic Right Ventricular Dysplasia/Cardiomyopathy11; ARRHYTHMOGENIC RIGHT VENTRICULAR DYSPLASIA, FAMILIAL, 11; Arrhythmogenic right ventricular dysplasia 11 with mild palmoplantar keratoderma and woolly hair. Identifiers: MedGen C1864850, MONDO:0012506, OMIM 610476.
Cardiovascular phenotype. Identifiers: MedGen CN230736.

Allele frequency attached by ClinVar (database versions not stated): TOPMed 0.00002.

Submissions (2):

Labcorp Genetics (formerly Invitae), Labcorp
Classification: Uncertain significance for Arrhythmogenic right ventricular dysplasia 11. Last evaluated: 2024-03-14. Review status: criteria provided, single submitter. Criteria: Invitae Variant Classification Sherloc (09022015). Collection method: clinical testing. Allele origin: germline.
Comment: This sequence change replaces asparagine, which is neutral and polar, with isoleucine, which is neutral and non-polar, at codon 53 of the DSC2 protein (p.Asn53Ile). This variant is not present in population databases (gnomAD no frequency). This variant has not been reported in the literature in individuals affected with DSC2-related conditions. ClinVar contains an entry for this variant (Variation ID: 1775875). Advanced modeling of protein sequence and biophysical properties (such as structural, functional, and spatial information, amino acid conservation, physicochemical variation, residue mobility, and thermodynamic stability) has been performed at Invitae for this missense variant, however the output from this modeling did not meet the statistical confidence thresholds required to predict the impact of this variant on DSC2 protein function. In summary, the available evidence is currently insufficient to determine the role of this variant in disease. Therefore, it has been classified as a Variant of Uncertain Significance.

Ambry Genetics
Classification: Uncertain significance for Cardiovascular phenotype. Last evaluated: 2018-08-30. Review status: criteria provided, single submitter. Criteria: Ambry Variant Classification Scheme 2023. Collection method: clinical testing. Allele origin: germline.
Comment: The p.N53I variant (also known as c.158A>T), located in coding exon 3 of the DSC2 gene, results from an A to T substitution at nucleotide position 158. The asparagine at codon 53 is replaced by isoleucine, an amino acid with dissimilar properties. This amino acid position is well conserved in available vertebrate species. In addition, this alteration is predicted to be tolerated by in silico analysis. Since supporting evidence is limited at this time, the clinical significance of this alteration remains unclear.

NM_024422.6(DSC2):c.158A>T (p.Asn53Ile)

Gene: DSC2 (desmocollin 2; minus strand). Cytogenetic location: 18q12.1.
Variant type: single nucleotide variant.
Coding change: c.158A>T on transcript NM_024422.6 (MANE Select); coding-DNA position 158, A replaced by T.
Protein change: p.Asn53Ile; replaces asparagine 53 with isoleucine.
Molecular consequence: missense variant.
Genome position (GRCh38, 1-based): chr18:31,092,297, T>A on the plus strand (A>T on the coding strand, the complement: DSC2 is on the minus strand). VCF-style: chr18-31092297-T-A. GRCh37 (hg19) VCF-style: chr18-28672260-T-A.
Other names: c.-272A>T (NM_001406506.1, NM_001406507.1); c.158A>T, p.Asn53Ile (NM_004949.5); short protein forms N53I.
Identifiers: ClinVar variation 1775875 (VCV001775875.5), dbSNP rs942652496, ClinGen allele CA297644562.
Genomic context (GRCh38, chr18:31,092,297, plus strand): 5'-ATTTGGAAGTCAGGATCACTTGAATGAATTAGATTTGCAGCTGTAAAGCACTCTTTCAGG[T>A]TAACTGTAGAAAATATGCACAGCAATCATTTTTAAAGTAAAACATAGGATATAGTTTTAA-3'
Protein context (NP_077740.1, residues 43-63): LDAEKLVGRV[Asn53Ile]LKECFTAANL